The following is an entry in ClinVar:

ClinVar aggregate classification (germline): Uncertain significance (1 of 4 stars; one submission).

Conditions:
Autosomal dominant polycystic kidney disease. Identifiers: Orphanet 730, MedGen C0085413, MONDO:0004691.

Allele frequency attached by ClinVar (database versions not stated): gnomAD exomes below 0.00001; gnomAD 0.00001.
gnomAD v4.1: 7 of 1,611,548 alleles (0.00043%); highest among the groups gnomAD compares: Non-Finnish European, 0.00059%; no homozygotes.

Submission:

Labcorp Genetics (formerly Invitae), Labcorp
Classification: Uncertain significance for Autosomal dominant polycystic kidney disease. Last evaluated: 2025-02-20. Review status: criteria provided, single submitter. Criteria: Invitae Variant Classification Sherloc (09022015). Collection method: clinical testing. Allele origin: germline.
Comment: This sequence change replaces isoleucine, which is neutral and non-polar, with methionine, which is neutral and non-polar, at codon 577 of the PKD2 protein (p.Ile577Met). This variant is present in population databases (no rsID available, gnomAD 0.0009%). This variant has not been reported in the literature in individuals affected with PKD2-related conditions. ClinVar contains an entry for this variant (Variation ID: 1477645). Invitae Evidence Modeling of protein sequence and biophysical properties (such as structural, functional, and spatial information, amino acid conservation, physicochemical variation, residue mobility, and thermodynamic stability) has been performed for this missense variant. However, the output from this modeling did not meet the statistical confidence thresholds required to predict the impact of this variant on PKD2 protein function. In summary, the available evidence is currently insufficient to determine the role of this variant in disease. Therefore, it has been classified as a Variant of Uncertain Significance.

NM_000297.4(PKD2):c.1731C>G (p.Ile577Met)

Gene: PKD2 (polycystin 2, transient receptor potential cation channel; plus strand). Cytogenetic location: 4q22.1.
Variant type: single nucleotide variant.
Coding change: c.1731C>G on transcript NM_000297.4 (MANE Select); coding-DNA position 1731, C replaced by G.
Protein change: p.Ile577Met; replaces isoleucine 577 with methionine.
Molecular consequence: missense variant. On other transcripts: non-coding transcript variant (1).
Genome position (GRCh38, 1-based): chr4:88,056,100, C>G. VCF-style: chr4-88056100-C-G. GRCh37 (hg19) VCF-style: chr4-88977252-C-G.
Other names: short protein forms I577M.
Identifiers: ClinVar variation 1477645 (VCV001477645.8), dbSNP rs985821858, ClinGen allele CA100875624.